The following is an entry in ClinVar:

NM_000426.4(LAMA2):c.8888T>C (p.Leu2963Pro)

Gene: LAMA2 (laminin subunit alpha 2; plus strand). Cytogenetic location: 6q22.33.
Variant type: single nucleotide variant.
Coding change: c.8888T>C on transcript NM_000426.4 (MANE Select); coding-DNA position 8888, T replaced by C.
Protein change: p.Leu2963Pro; replaces leucine 2963 with proline.
Molecular consequence: missense variant.
Genome position (GRCh38, 1-based): chr6:129,512,393, T>C. VCF-style: chr6-129512393-T-C. GRCh37 (hg19) VCF-style: chr6-129833538-T-C.
Other names: c.8876T>C, p.Leu2959Pro (NM_001079823.2); short protein forms L2959P, L2963P.
Identifiers: ClinVar variation 2172205 (VCV002172205.1), dbSNP rs139863980, ClinGen allele CA3994958.

ClinVar aggregate classification (germline): Uncertain significance (1 of 4 stars; one submission).

Conditions:
LAMA2-related muscular dystrophy (LAMA2-RD). Also called: Laminin alpha 2-related dystrophy. Identifiers: MedGen C5679788, MONDO:0100228.

Allele frequency attached by ClinVar (database versions not stated): gnomAD exomes below 0.00001; ExAC 0.00001; ESP Exome Variant Server 0.00008.
gnomAD v4.1: 2 of 1,613,792 alleles (0.00012%); highest among the groups gnomAD compares: Non-Finnish European, 0.000085%; no homozygotes.

Submission:

Labcorp Genetics (formerly Invitae), Labcorp
Classification: Uncertain significance for LAMA2-related muscular dystrophy. Last evaluated: 2022-05-20. Review status: criteria provided, single submitter. Criteria: Invitae Variant Classification Sherloc (09022015). Collection method: clinical testing. Allele origin: germline.
Comment: This sequence change replaces leucine, which is neutral and non-polar, with proline, which is neutral and non-polar, at codon 2963 of the LAMA2 protein (p.Leu2963Pro). This variant is present in population databases (rs139863980, gnomAD 0.0009%). This missense change has been observed in individual(s) with dilated cardiomyopathy (PMID: 31983221). Advanced modeling of protein sequence and biophysical properties (such as structural, functional, and spatial information, amino acid conservation, physicochemical variation, residue mobility, and thermodynamic stability) performed at Invitae indicates that this missense variant is not expected to disrupt LAMA2 protein function. In summary, the available evidence is currently insufficient to determine the role of this variant in disease. Therefore, it has been classified as a Variant of Uncertain Significance.

Literature cited by the submitters: PubMed 31983221.